The following is an entry in ClinVar:

ClinVar aggregate classification (germline): Uncertain significance (1 of 4 stars; one submission).

Conditions:
Global developmental delay with speech and behavioral abnormalities. Identifiers: MedGen C5543226, MONDO:0030995, OMIM 619243.

Submission:

Neuberg Centre For Genomic Medicine, NCGM
Classification: Uncertain significance for Global developmental delay with speech and behavioral abnormalities. Last evaluated: 2023-07-22. Review status: criteria provided, single submitter. Criteria: ACMG Guidelines, 2015. Collection method: clinical testing. Allele origin: germline. Inheritance: Autosomal dominant inheritance. Affected: yes.
Comment: The observed missense variant c.1754G>Cp.Ser585Thr in TNRC6B gene has not been reported previously as a pathogenic variant nor as a benign variant, to our knowledge. This variant is absent in gnomAD Exomes. The amino acid Ser at position 585 is changed to a Thr changing protein sequence and it might alter its composition and physico-chemical properties. The referecnce amino acid p.Ser585Thr in TNRC6B is predicted as conserved by GERP++ and PhyloP across 100 vertebrates. Computational evidence Polyphen-probably damaging, SIFT-Tolerated and Mutation Taster-disease causing predicts conflicting evidence on protein structure and function for this variant. For these reasons, this variant has been classified as Uncertain Significance.

NM_001162501.2(TNRC6B):c.1754G>C (p.Ser585Thr)

Gene: TNRC6B (trinucleotide repeat containing adaptor 6B; plus strand). Cytogenetic location: 22q13.1.
Variant type: single nucleotide variant.
Coding change: c.1754G>C on transcript NM_001162501.2 (MANE Select); coding-DNA position 1754, G replaced by C.
Protein change: p.Ser585Thr; replaces serine 585 with threonine.
Molecular consequence: missense variant. On other transcripts: intron variant (1).
Genome position (GRCh38, 1-based): chr22:40,265,984, G>C. VCF-style: chr22-40265984-G-C. GRCh37 (hg19) VCF-style: chr22-40661988-G-C.
Other names: c.1754G>C, p.Ser585Thr (NM_015088.3); c.565+3811G>C (NM_001024843.2); short protein forms S585T.
Identifiers: ClinVar variation 3391337 (VCV003391337.1).